The following is an entry in ClinVar:

ClinVar aggregate classification (germline): Uncertain significance (1 of 4 stars; one submission).

Allele frequency attached by ClinVar (database versions not stated): gnomAD exomes below 0.00001.
gnomAD v4.1: 1 of 1,551,158 alleles (0.000064%); highest among the groups gnomAD compares: Non-Finnish European, 0.000087%; no homozygotes.

Submission:

Labcorp Genetics (formerly Invitae), Labcorp
Classification: Uncertain significance. Last evaluated: 2025-03-10. Review status: criteria provided, single submitter. Criteria: Invitae Variant Classification Sherloc (09022015). Collection method: clinical testing. Allele origin: germline.
Comment: This sequence change replaces serine, which is neutral and polar, with arginine, which is basic and polar, at codon 375 of the SOX11 protein (p.Ser375Arg). This variant is not present in population databases (gnomAD no frequency). This variant has not been reported in the literature in individuals affected with SOX11-related conditions. ClinVar contains an entry for this variant (Variation ID: 2968453). Invitae Evidence Modeling of protein sequence and biophysical properties (such as structural, functional, and spatial information, amino acid conservation, physicochemical variation, residue mobility, and thermodynamic stability) indicates that this missense variant is not expected to disrupt SOX11 protein function with a negative predictive value of 95%. In summary, the available evidence is currently insufficient to determine the role of this variant in disease. Therefore, it has been classified as a Variant of Uncertain Significance.

NM_003108.4(SOX11):c.1125C>A (p.Ser375Arg)

Gene: SOX11 (SRY-box transcription factor 11; plus strand). Cytogenetic location: 2p25.2.
Variant type: single nucleotide variant.
Coding change: c.1125C>A on transcript NM_003108.4 (MANE Select); coding-DNA position 1125, C replaced by A.
Protein change: p.Ser375Arg; replaces serine 375 with arginine.
Molecular consequence: missense variant.
Genome position (GRCh38, 1-based): chr2:5,693,846, C>A. VCF-style: chr2-5693846-C-A. GRCh37 (hg19) VCF-style: chr2-5833978-C-A.
Other names: short protein forms S375R.
Identifiers: ClinVar variation 2968453 (VCV002968453.3), dbSNP rs1377727959, ClinGen allele CA345868183.